The following is an entry in ClinVar:

ClinVar aggregate classification (germline): Pathogenic (1 of 4 stars; one submission).

Submission:

Labcorp Genetics (formerly Invitae), Labcorp
Classification: Pathogenic. Last evaluated: 2023-12-22. Review status: criteria provided, single submitter. Criteria: Invitae Variant Classification Sherloc (09022015). Collection method: clinical testing. Allele origin: germline.
Comment: This sequence change creates a premature translational stop signal (p.Val358Glyfs*15) in the ITGB3 gene. It is expected to result in an absent or disrupted protein product. Loss-of-function variants in ITGB3 are known to be pathogenic (PMID: 21917754). This variant is present in population databases (no rsID available, gnomAD 0.003%). This variant has not been reported in the literature in individuals affected with ITGB3-related conditions. ClinVar contains an entry for this variant (Variation ID: 1963753). For these reasons, this variant has been classified as Pathogenic.

Literature cited by the submitters: PubMed 21917754.

NM_000212.3(ITGB3):c.1072dup (p.Val358fs)

Gene: ITGB3 (integrin subunit beta 3; plus strand). Cytogenetic location: 17q21.32.
Variant type: Duplication.
Coding change: c.1072dup on transcript NM_000212.3 (MANE Select); coding-DNA position 1072, one base duplicated (G; older notation c.1072dupG).
Protein change: p.Val358fs; shifts the reading frame from valine 358.
Molecular consequence: frameshift variant.
Genome position (GRCh38, 1-based): chr17:47,290,221, G duplicated; the last of 4 consecutive G bases (chr17:47,290,218-47,290,221); duplicating any one gives the same sequence. VCF-style (leftmost placement, unchanged base first): chr17-47290217-T-TG. GRCh37 (hg19) VCF-style: chr17-45367583-T-TG.
Other names: short protein forms V358fs.
Identifiers: ClinVar variation 1963753 (VCV001963753.5), dbSNP rs1567766007, ClinGen allele CA626380172.